The following is an entry in ClinVar:

NM_000320.3(QDPR):c.545+1G>A

Gene: QDPR (quinoid dihydropteridine reductase; minus strand). Cytogenetic location: 4p15.32.
Variant type: single nucleotide variant.
Coding change: c.545+1G>A on transcript NM_000320.3 (MANE Select); the canonical splice donor site of the intron after coding-DNA position 545, G replaced by A.
Molecular consequence: splice donor variant.
Genome position (GRCh38, 1-based): chr4:17,492,231, C>T on the plus strand (G>A on the coding strand, the complement: QDPR is on the minus strand). VCF-style: chr4-17492231-C-T. GRCh37 (hg19) VCF-style: chr4-17493854-C-T.
Other names: c.452+1G>A (NM_001306140.2).
Identifiers: ClinVar variation 1335971 (VCV001335971.14), dbSNP rs761619802, ClinGen allele CA92593507.

ClinVar aggregate classification (germline): Pathogenic. Review status: criteria provided, multiple submitters, no conflicts (2 of 4 stars). 6 submissions from 6 submitters: Pathogenic (6). Last evaluated 2025-09-26.

Conditions:
QDPR-related disorder. Also called: QDPR-related condition.
Dihydropteridine reductase deficiency (HPABH4C). Also called: BH4-Deficient Hyperphenylalaninemia C; HYPERPHENYLALANINEMIA, TETRAHYDROBIOPTERIN-DEFICIENT, DUE TO DHPR DEFICIENCY; Hyperphenylalaninemia due to dihydropteridine reductase deficiency; Hyperphenylalaninemia, BH-4-deficient, C; Phenylketonuria type 2; Phenylketonuria II. Identifiers: Orphanet 226, Orphanet 238583, MedGen C0268465, MONDO:0009862, OMIM 261630.

Allele frequency attached by ClinVar (database versions not stated): gnomAD exomes 0.00001 and 0.00002; TOPMed 0.00001; gnomAD 0.00003.
gnomAD v4.1: 28 of 1,613,164 alleles (0.0017%); highest among the groups gnomAD compares: African/African-American, 0.004%; no homozygotes.

Submissions (7):

GeneDx
Classification: Pathogenic. Last evaluated: 2025-09-26. Review status: criteria provided, single submitter. Criteria: GeneDx Variant Classification Process June 2021. Collection method: clinical testing. Allele origin: germline. Affected: yes.
Comment: Observed with a second QDPR variant or in the homozygous state in patients with BH4-deficient hyperphenylalaninemia in the literature and not observed in homozygous state in controls (PMID: 9744478, 32905092); Canonical splice site variant predicted to result in a null allele in a gene for which loss of function is a known mechanism of disease; Not observed at significant frequency in large population cohorts (gnomAD); Also known as IVS5G+1A; This variant is associated with the following publications: (PMID: 25525159, 32905092, 7627180, 10408783, 9744478)

Labcorp Genetics (formerly Invitae), Labcorp
Classification: Pathogenic for Dihydropteridine reductase deficiency. Last evaluated: 2025-04-17. Review status: criteria provided, single submitter. Criteria: Invitae Variant Classification Sherloc (09022015). Collection method: clinical testing. Allele origin: germline.
Comment: This sequence change affects a donor splice site in intron 5 of the QDPR gene. It is expected to disrupt RNA splicing. Variants that disrupt the donor or acceptor splice site typically lead to a loss of protein function (PMID: 16199547), and loss-of-function variants in QDPR are known to be pathogenic (PMID: 7627180, 11153907). This variant is present in population databases (rs761619802, gnomAD 0.004%). Disruption of this splice site has been observed in individual(s) with dihydropteridine reductase deficiency (PMID: 9744478, 32905092). This variant is also known as IVS5G+1A, IVS4+1G>A. ClinVar contains an entry for this variant (Variation ID: 1335971). Algorithms developed to predict the effect of sequence changes on RNA splicing suggest that this variant may disrupt the consensus splice site. For these reasons, this variant has been classified as Pathogenic.

Women's Health and Genetics/Laboratory Corporation of America, LabCorp
Classification: Pathogenic for Dihydropteridine reductase deficiency. Last evaluated: 2023-06-01. Review status: criteria provided, single submitter. Criteria: LabCorp Variant Classification Summary - May 2015. Collection method: clinical testing. Allele origin: germline.
Comment: Variant summary: QDPR c.545+1G>A is located in a canonical splice-site and is predicted to affect mRNA splicing resulting in a significantly altered protein due to either exon skipping, shortening, or inclusion of intronic material. Several computational tools predict a significant impact on normal splicing: Four predict the variant abolishes a 5' splicing donor site. At least one publication reports experimental evidence that this variant affects mRNA splicing (Smooker_1999). The variant allele was found at a frequency of 1.6e-05 in 248736 control chromosomes. c.545+1G>A has been reported in the literature in multiple homozygous individuals affected with Dihydropteridine Reductase Deficiency (example: Smooker_199, Carducci_2020). These data indicate that the variant is very likely to be associated with disease. Homozygous individuals show almost no Dihydropteridine Reductase activity (Carducci_2020). The following publications have been ascertained in the context of this evaluation (PMID: 32905092, 10408783). Two clinical diagnostic laboratories have submitted clinical-significance assessments for this variant to ClinVar after 2014 and classified the variant as pathogenic. Based on the evidence outlined above, the variant was classified as pathogenic.

Blueprint Genetics
Classification: Pathogenic for QDPR-related disorders. Last evaluated: 2020-04-17. Review status: criteria provided, single submitter. Criteria: ACMG Guidelines, 2015. Collection method: clinical testing. Allele origin: germline. Affected: yes. Observed: 2 variant alleles.

Genetic Services Laboratory, University of Chicago
Classification: Pathogenic. Last evaluated: 2018-12-11. Review status: criteria provided, single submitter. Criteria: ACMG Guidelines, 2015. Collection method: clinical testing. Allele origin: germline. Affected: yes.
Comment: DNA sequence analysis of the QDPR gene demonstrated a sequence change in the canonical splice donor site of intron 5, c.545+1G>A. This sequence change has been described in the gnomAD database with a low population frequency of 0.0016% (dbSNP rs761619802). This change has been previously reported in one patient in a homozygous state with dihydropteridine reductase deficiency (PMID: 10408783) and has also been predicted to affect normal splicing of the QDPR gene. Functional studies by Smooker et al., 1999 have also shown skipping of exon 5 for this variant with abnormal PCR products.

Lifecell International Pvt. Ltd
Classification: Pathogenic for Dihydropteridine reductase deficiency. Review status: criteria provided, single submitter. Criteria: ACMG Guidelines, 2015. Collection method: clinical testing. Allele origin: germline. Inheritance: Autosomal recessive inheritance. Affected: yes. Observed: 1 homozygote.
Comment: A Homozygote Intron, Splice site donor variant c.545+1G>A in Exon 5 of the QDPR gene that results in the amino acid substitution was identified. The observed variant has a minor allele frequency of 0.0002% in gnomAD exomes and genomes, respectively. The severity of the impact of this variant on the protein is high, based on the effect of the protein and REVEL score. Rare Exome Variant Ensemble Learner (REVEL) is an ensembl method for predicting the pathogenicity of missense variants based on a combination of scores from 13 individual tools: MutPred, FATHMM v2.3, VEST 3.0, PolyPhen-2, SIFT, PROVEAN, MutationAssessor, LRT, GERP++, SiPhy, phyloP, and phastCons. The REVEL score for an individual missense variant can range from 0 to 1, with higher scores reflecting greater likelihood that the variant is disease-causing. The variant has been reported to ClinVar as Pathogenic with a status of (2 stars) criteria provided, multiple submitters, no conflicts (Variation ID 1335971 as of 2022-03-28). The variant in QDPR was identified previously in patients with Hyperphenylalaninemia, BH4-deficient, C (Romstad, A et al., 2000). This sequence change affects a donor splice site in intron 5 of the QDPR gene. It is expected to disrupt RNA splicing. Variants that disrupt the donor or acceptor splice site typically lead to a loss of protein function (Baralle, D, and M Baralle., 2005). Based on the above evidence this variant has been classified as Pathogenic according to the ACMG guidelines.

Dr. Peter K. Rogan Lab, Western University
No classification provided (evidence only). Condition: Colorectal cancer. Review status: no classification provided. Collection method: in vitro. Allele origin: not applicable. Functional consequence: skipped exon, retained intron. Not counted in ClinVar's aggregate classification.

Literature cited by the submitters: PubMed 16199547 (cited by Labcorp Genetics (formerly Invitae), Labcorp and Lifecell International Pvt. Ltd); PubMed 7627180 (cited by Labcorp Genetics (formerly Invitae), Labcorp); PubMed 11153907 (cited by Labcorp Genetics (formerly Invitae), Labcorp and Lifecell International Pvt. Ltd); PubMed 9744478 (cited by Labcorp Genetics (formerly Invitae), Labcorp); PubMed 32905092 (cited by Labcorp Genetics (formerly Invitae), Labcorp and Women's Health and Genetics/Laboratory Corporation of America, LabCorp); PubMed 10408783 (cited by Women's Health and Genetics/Laboratory Corporation of America, LabCorp).